The following is an entry in ClinVar:

ClinVar aggregate classification (germline): Likely pathogenic (1 of 4 stars; one submission).

Allele frequency attached by ClinVar (database versions not stated): gnomAD exomes below 0.00001.
gnomAD v4.1: 3 of 1,552,064 alleles (0.00019%); highest among the groups gnomAD compares: Non-Finnish European, 0.00017%; no homozygotes.

Submission:

Labcorp Genetics (formerly Invitae), Labcorp
Classification: Likely pathogenic. Last evaluated: 2023-06-20. Review status: criteria provided, single submitter. Criteria: Invitae Variant Classification Sherloc (09022015). Collection method: clinical testing. Allele origin: germline.
Comment: Algorithms developed to predict the effect of sequence changes on RNA splicing suggest that this variant may disrupt the consensus splice site. This variant has not been reported in the literature in individuals affected with IL2RB-related conditions. The frequency data for this variant in the population databases is considered unreliable, as metrics indicate poor data quality at this position in the gnomAD database. This sequence change affects a donor splice site in intron 2 of the IL2RB gene. It is expected to disrupt RNA splicing. Variants that disrupt the donor or acceptor splice site typically lead to a loss of protein function (PMID: 16199547), and loss-of-function variants in IL2RB are known to be pathogenic (PMID: 31040185). In summary, the currently available evidence indicates that the variant is pathogenic, but additional data are needed to prove that conclusively. Therefore, this variant has been classified as Likely Pathogenic.

Literature cited by the submitters: PubMed 16199547; PubMed 31040185.

NM_000878.5(IL2RB):c.88+1G>A

Gene: IL2RB (interleukin 2 receptor subunit beta; minus strand). Cytogenetic location: 22q12.3.
Variant type: single nucleotide variant.
Coding change: c.88+1G>A on transcript NM_000878.5 (MANE Select); the canonical splice donor site of the intron after coding-DNA position 88, G replaced by A.
Molecular consequence: splice donor variant.
Genome position (GRCh38, 1-based): chr22:37,144,084, C>T on the plus strand (G>A on the coding strand, the complement: IL2RB is on the minus strand). VCF-style: chr22-37144084-C-T. GRCh37 (hg19) VCF-style: chr22-37540124-C-T.
Other names: c.88+1G>A (NM_001346222.1, NM_001346223.2).
Identifiers: ClinVar variation 2857640 (VCV002857640.3), dbSNP rs1428720238, ClinGen allele CA411429685.
Genomic context (GRCh38, chr22:37,144,084, plus strand): 5'-GCAGGGCCTTAGCCATCTCTCCATAGGGAAAGCAGAGCTGTTCAGATGTCAGGGTCCTCA[C>T]CATTCACCGCTGCAGATGCCCAAGAGGTAGCCAGGGGCAGGAGGAGGATGAGGAGGGGCA-3'